The following is an entry in ClinVar:

NM_003737.4(DCHS1):c.1924C>T (p.Arg642Trp)

Gene: DCHS1 (dachsous cadherin-related 1; minus strand). Cytogenetic location: 11p15.4.
Variant type: single nucleotide variant.
Coding change: c.1924C>T on transcript NM_003737.4 (MANE Select); coding-DNA position 1924, C replaced by T.
Protein change: p.Arg642Trp; replaces arginine 642 with tryptophan.
Molecular consequence: missense variant.
Genome position (GRCh38, 1-based): chr11:6,634,180, G>A on the plus strand (C>T on the coding strand, the complement: DCHS1 is on the minus strand). VCF-style: chr11-6634180-G-A. GRCh37 (hg19) VCF-style: chr11-6655411-G-A.
Other names: short protein forms R642W.
Identifiers: ClinVar variation 4775043 (VCV004775043.1).
Genomic context (GRCh38, chr11:6,634,180, plus strand): 5'-CATCCACAGCTGTCACTGTGAAGTCAAAGCTTGAGGGCCCCTGGTCACGGTCCAGGGTCC[G>A]GGTTGTGCACACATCACCGCTGTGGGCATCAATGCGGAATGGGGGAGATCCGGAGGACCC-3'
Protein context (NP_003728.1, residues 632-652): DAHSGDVCTT[Arg642Trp]TLDRDQGPSS

ClinVar aggregate classification (germline): Uncertain significance (1 of 4 stars; one submission).

gnomAD v4.1: 18 of 1,613,554 alleles (0.0011%); highest among the groups gnomAD compares: Middle Eastern, 0.016%; no homozygotes.

Submission:

Labcorp Genetics (formerly Invitae), Labcorp
Classification: Uncertain significance. Last evaluated: 2025-10-06. Review status: criteria provided, single submitter. Criteria: Invitae Variant Classification Sherloc (09022015). Collection method: clinical testing. Allele origin: germline.
Comment: This sequence change replaces arginine, which is basic and polar, with tryptophan, which is neutral and slightly polar, at codon 642 of the DCHS1 protein (p.Arg642Trp). This variant is present in population databases (rs374740842, gnomAD 0.002%). This variant has not been reported in the literature in individuals affected with DCHS1-related conditions. Invitae Evidence Modeling of protein sequence and biophysical properties (such as structural, functional, and spatial information, amino acid conservation, physicochemical variation, residue mobility, and thermodynamic stability) indicates that this missense variant is not expected to disrupt DCHS1 protein function with a negative predictive value of 80%. In summary, the available evidence is currently insufficient to determine the role of this variant in disease. Therefore, it has been classified as a Variant of Uncertain Significance.